The following is an entry in ClinVar:

NM_205836.3(FBXO38):c.696C>T (p.Ile232=)

Gene: FBXO38 (F-box protein 38; plus strand). Cytogenetic location: 5q32.
Variant type: single nucleotide variant.
Coding change: c.696C>T on transcript NM_205836.3 (MANE Select); coding-DNA position 696, C replaced by T.
Protein change: p.Ile232=; no amino-acid change (isoleucine 232 retained).
Molecular consequence: synonymous variant.
Genome position (GRCh38, 1-based): chr5:148,404,788, C>T. VCF-style: chr5-148404788-C-T. GRCh37 (hg19) VCF-style: chr5-147784351-C-T.
Other names: c.696C>T, p.Ile232= (NM_001271723.2, NM_030793.5).
Identifiers: ClinVar variation 2182340 (VCV002182340.4), dbSNP rs774425297, ClinGen allele CA3497095.

ClinVar aggregate classification (germline): Uncertain significance (1 of 4 stars; one submission).

Conditions:
Distal hereditary motor neuropathy type 2. Identifiers: Orphanet 139525, MedGen C3711384, MeSH C580044, MONDO:0015352.

Allele frequency attached by ClinVar (database versions not stated): gnomAD exomes below 0.00001; ExAC 0.00001; gnomAD 0.00001; TOPMed 0.00002.
gnomAD v4.1: 5 of 1,607,786 alleles (0.00031%); highest among the groups gnomAD compares: Admixed American, 0.0034%; no homozygotes.

Submission:

Labcorp Genetics (formerly Invitae), Labcorp
Classification: Uncertain significance for Distal hereditary motor neuropathy type 2. Last evaluated: 2024-09-15. Review status: criteria provided, single submitter. Criteria: Invitae Variant Classification Sherloc (09022015). Collection method: clinical testing. Allele origin: germline.
Comment: This sequence change affects codon 232 of the FBXO38 mRNA. It is a 'silent' change, meaning that it does not change the encoded amino acid sequence of the FBXO38 protein. The frequency data for this variant in the population databases is considered unreliable, as metrics indicate poor data quality at this position in the gnomAD database. This variant has not been reported in the literature in individuals affected with FBXO38-related conditions. ClinVar contains an entry for this variant (Variation ID: 2182340). Algorithms developed to predict the effect of sequence changes on RNA splicing suggest that this variant may disrupt the consensus splice site. In summary, the available evidence is currently insufficient to determine the role of this variant in disease. Therefore, it has been classified as a Variant of Uncertain Significance.